The following is an entry in ClinVar:

NM_004006.3(DMD):c.2041G>T (p.Val681Leu)

Gene: DMD (dystrophin; minus strand). Cytogenetic location: Xp21.1.
Variant type: single nucleotide variant.
Coding change: c.2041G>T on transcript NM_004006.3 (MANE Select); coding-DNA position 2041, G replaced by T.
Protein change: p.Val681Leu; replaces valine 681 with leucine.
Molecular consequence: missense variant.
Genome position (GRCh38, 1-based): chrX:32,545,286, C>A on the plus strand (G>T on the coding strand, the complement: DMD is on the minus strand). VCF-style: chrX-32545286-C-A. GRCh37 (hg19) VCF-style: chrX-32563403-C-A.
Other names: c.2017G>T, p.Val673Leu (NM_000109.4); c.2029G>T, p.Val677Leu (NM_004009.3); c.1672G>T, p.Val558Leu (NM_004010.3); short protein forms V681L, V558L, V673L, V677L.
Identifiers: ClinVar variation 3672964 (VCV003672964.3).

ClinVar aggregate classification (germline): Uncertain significance. Review status: criteria provided, multiple submitters, no conflicts (2 of 4 stars). 2 submissions from 2 submitters: Uncertain significance (2). Last evaluated 2025-09-07.

Conditions:
Duchenne muscular dystrophy (DMD). Also called: MUSCULAR DYSTROPHY, PSEUDOHYPERTROPHIC PROGRESSIVE, DUCHENNE TYPE; Duchenne Muscular Dystrophy (DMD). Identifiers: Orphanet 98896, MedGen C0013264, MONDO:0010679, OMIM 310200.
Cardiovascular phenotype. Identifiers: MedGen CN230736.

Submissions (2):

Labcorp Genetics (formerly Invitae), Labcorp
Classification: Uncertain significance for Duchenne muscular dystrophy. Last evaluated: 2025-09-07. Review status: criteria provided, single submitter. Criteria: Invitae Variant Classification Sherloc (09022015). Collection method: clinical testing. Allele origin: germline.
Comment: This sequence change replaces valine, which is neutral and non-polar, with leucine, which is neutral and non-polar, at codon 681 of the DMD protein (p.Val681Leu). This variant is not present in population databases (gnomAD no frequency). This variant has not been reported in the literature in individuals affected with DMD-related conditions. ClinVar contains an entry for this variant (Variation ID: 3672964). Invitae Evidence Modeling of protein sequence and biophysical properties (such as structural, functional, and spatial information, amino acid conservation, physicochemical variation, residue mobility, and thermodynamic stability) indicates that this missense variant is not expected to disrupt DMD protein function with a negative predictive value of 95%. In summary, the available evidence is currently insufficient to determine the role of this variant in disease. Therefore, it has been classified as a Variant of Uncertain Significance.

Ambry Genetics
Classification: Uncertain significance for Cardiovascular phenotype. Last evaluated: 2025-03-14. Review status: criteria provided, single submitter. Criteria: Ambry Variant Classification Scheme 2023. Collection method: clinical testing. Allele origin: germline.
Comment: The p.V681L variant (also known as c.2041G>T), located in coding exon 17 of the DMD gene, results from a G to T substitution at nucleotide position 2041. The valine at codon 681 is replaced by leucine, an amino acid with highly similar properties. This amino acid position is highly conserved in available vertebrate species. In addition, this alteration is predicted to be tolerated by in silico analysis. Based on the available evidence, the clinical significance of this variant remains unclear.